The following is an entry in ClinVar:

ClinVar aggregate classification (germline): Uncertain significance (1 of 4 stars; one submission).

Allele frequency attached by ClinVar (database versions not stated): TOPMed below 0.00001; gnomAD exomes 0.00001; ESP Exome Variant Server 0.00008.
gnomAD v4.1: 13 of 1,614,152 alleles (0.00081%); highest among the groups gnomAD compares: Non-Finnish European, 0.0011%; no homozygotes.

Submission:

CeGaT Center for Human Genetics Tuebingen
Classification: Uncertain significance. Last evaluated: 2023-08-01. Review status: criteria provided, single submitter. Criteria: CeGaT Center For Human Genetics Tuebingen Variant Classification Criteria Version 2. Collection method: clinical testing. Allele origin: germline. Affected: yes. Observed: 1 variant allele.
Comment: PDZD8: PM2, BP4

NM_173791.5(PDZD8):c.2411A>G (p.His804Arg)

Gene: PDZD8 (PDZ domain containing 8; minus strand). Cytogenetic location: 10q25.3.
Variant type: single nucleotide variant.
Coding change: c.2411A>G on transcript NM_173791.5 (MANE Select); coding-DNA position 2411, A replaced by G.
Protein change: p.His804Arg; replaces histidine 804 with arginine.
Molecular consequence: missense variant.
Genome position (GRCh38, 1-based): chr10:117,284,322, T>C on the plus strand (A>G on the coding strand, the complement: PDZD8 is on the minus strand). VCF-style: chr10-117284322-T-C. GRCh37 (hg19) VCF-style: chr10-119043833-T-C.
Other names: short protein forms H804R.
Identifiers: ClinVar variation 2640871 (VCV002640871.24), dbSNP rs372220170, ClinGen allele CA214699419.
Genomic context (GRCh38, chr10:117,284,322, plus strand): 5'-AGAACAGAAACTTCTTCAACCAAATGGGGTTCTTTTTCTTTTTCTACGTTAGTAACTACA[T>C]GGTGGTCTGATTCTCCTTCTTTCAAATATTTGAAGTGAATAGTAATGTCACCATAGCAAA-3'
Protein context (NP_776152.1, residues 794-814): KYLKEGESDH[His804Arg]VVTNVEKEKE